The following is an entry in ClinVar:

ClinVar aggregate classification (germline): Uncertain significance. Review status: criteria provided, multiple submitters, no conflicts (2 of 4 stars). 2 submissions from 2 submitters: Uncertain significance (2). Last evaluated 2025-05-19.

Conditions:
Craniolenticulosutural dysplasia (CLSD). Also called: BOYADJIEV-JABS SYNDROME. Identifiers: Orphanet 50814, MedGen C1843042, MONDO:0011911, OMIM 607812.

Submissions (2):

Ambry Genetics
Classification: Uncertain significance. Last evaluated: 2025-05-19. Review status: criteria provided, single submitter. Criteria: Ambry Variant Classification Scheme 2023. Collection method: clinical testing. Allele origin: germline.

Labcorp Genetics (formerly Invitae), Labcorp
Classification: Uncertain significance for Craniolenticulosutural dysplasia. Last evaluated: 2020-02-27. Review status: criteria provided, single submitter. Criteria: Invitae Variant Classification Sherloc (09022015). Collection method: clinical testing. Allele origin: germline.
Comment: Algorithms developed to predict the effect of missense changes on protein structure and function are either unavailable or do not agree on the potential impact of this missense change (SIFT: "Not Available"; PolyPhen-2: "Benign"; Align-GVGD: "Not Available"). In summary, the available evidence is currently insufficient to determine the role of this variant in disease. Therefore, it has been classified as a Variant of Uncertain Significance. This variant has not been reported in the literature in individuals with SEC23A-related conditions. This sequence change replaces glycine with aspartic acid at codon 182 of the SEC23A protein (p.Gly182Asp). The glycine residue is highly conserved and there is a moderate physicochemical difference between glycine and aspartic acid. This variant is not present in population databases (ExAC no frequency).

NM_006364.4(SEC23A):c.545G>A (p.Gly182Asp)

Gene: SEC23A (SEC23 homolog A, COPII component; minus strand). Cytogenetic location: 14q21.1.
Variant type: single nucleotide variant.
Coding change: c.545G>A on transcript NM_006364.4 (MANE Select); coding-DNA position 545, G replaced by A.
Protein change: p.Gly182Asp; replaces glycine 182 with aspartic acid.
Molecular consequence: missense variant.
Genome position (GRCh38, 1-based): chr14:39,091,535, C>T on the plus strand (G>A on the coding strand, the complement: SEC23A is on the minus strand). VCF-style: chr14-39091535-C-T. GRCh37 (hg19) VCF-style: chr14-39560739-C-T.
Other names: c.545G>A (NM_006364.2); short protein forms G182D.
Identifiers: ClinVar variation 1054199 (VCV001054199.8), dbSNP rs765405316, ClinGen allele CA389536613.